The following is an entry in ClinVar:

ClinVar aggregate classification (germline): Uncertain significance (1 of 4 stars; one submission).

Conditions:
Idiopathic generalized epilepsy. Also called: EIG; Generalised epilepsy. Identifiers: MedGen C0270850, MONDO:0005579, OMIM 600669.

gnomAD v4.1: 1 of 1,550,560 alleles (0.000064%); highest among the groups gnomAD compares: Non-Finnish European, 0.000087%; no homozygotes.

Submission:

Labcorp Genetics (formerly Invitae), Labcorp
Classification: Uncertain significance for Idiopathic generalized epilepsy. Last evaluated: 2022-04-08. Review status: criteria provided, single submitter. Criteria: Invitae Variant Classification Sherloc (09022015). Collection method: clinical testing. Allele origin: germline.
Comment: This sequence change replaces valine, which is neutral and non-polar, with leucine, which is neutral and non-polar, at codon 254 of the RBFOX3 protein (p.Val254Leu). This variant is not present in population databases (gnomAD no frequency). This variant has not been reported in the literature in individuals affected with RBFOX3-related conditions. Algorithms developed to predict the effect of missense changes on protein structure and function (SIFT, PolyPhen-2, Align-GVGD) all suggest that this variant is likely to be tolerated. In summary, the available evidence is currently insufficient to determine the role of this variant in disease. Therefore, it has been classified as a Variant of Uncertain Significance.

NM_001350451.2(RBFOX3):c.901G>C (p.Val301Leu)

Gene: RBFOX3 (RNA binding fox-1 homolog 3; minus strand). Cytogenetic location: 17q25.3.
Variant type: single nucleotide variant.
Coding change: c.901G>C on transcript NM_001350451.2 (MANE Select); coding-DNA position 901, G replaced by C.
Protein change: p.Val301Leu; replaces valine 301 with leucine.
Molecular consequence: missense variant.
Genome position (GRCh38, 1-based): chr17:79,096,688, C>G on the plus strand (G>C on the coding strand, the complement: RBFOX3 is on the minus strand). VCF-style: chr17-79096688-C-G. GRCh37 (hg19) VCF-style: chr17-77092770-C-G.
Other names: c.898G>C, p.Val300Leu (NM_001385823.1, NM_001385806.1, NM_001385822.1); c.808G>C, p.Val270Leu (NM_001385824.1); c.760G>C, p.Val254Leu (NM_001385825.1, NM_001385826.1, NM_001385828.1 and 16 more transcripts); c.781G>C, p.Val261Leu (NM_001385827.1); c.757G>C, p.Val253Leu (NM_001385843.1, NM_001385844.1, NM_001385845.1 and 1 more transcripts); c.613G>C, p.Val205Leu (NM_001385847.1); c.901G>C, p.Val301Leu (NM_001385804.1, NM_001385805.1, NM_001385807.1 and 14 more transcripts); short protein forms V301L, V254L, V253L, V261L, V205L, V270L, V300L.
Identifiers: ClinVar variation 2059905 (VCV002059905.4), dbSNP rs1465690990, ClinGen allele CA401316028.